The following is an entry in ClinVar:

NM_001127222.2(CACNA1A):c.2627G>C (p.Gly876Ala)

Gene: CACNA1A (calcium voltage-gated channel subunit alpha1 A; minus strand). Cytogenetic location: 19p13.13.
Variant type: single nucleotide variant.
Coding change: c.2627G>C on transcript NM_001127222.2 (MANE Select); coding-DNA position 2627, G replaced by C.
Protein change: p.Gly876Ala; replaces glycine 876 with alanine.
Molecular consequence: missense variant.
Genome position (GRCh38, 1-based): chr19:13,299,006, C>G on the plus strand (G>C on the coding strand, the complement: CACNA1A is on the minus strand). VCF-style: chr19-13299006-C-G. GRCh37 (hg19) VCF-style: chr19-13409820-C-G.
Other names: c.2639G>C, p.Gly880Ala (NM_000068.4, NM_023035.3); c.2630G>C, p.Gly877Ala (NM_001127221.2, NM_001174080.2); short protein forms G876A, G877A, G880A.
Identifiers: ClinVar variation 2500584 (VCV002500584.2), dbSNP rs1228451050, ClinGen allele CA404343048.

ClinVar aggregate classification (germline): Uncertain significance (1 of 4 stars; one submission).

Submission:

GeneDx
Classification: Uncertain significance. Last evaluated: 2023-09-08. Review status: criteria provided, single submitter. Criteria: GeneDx Variant Classification Process June 2021. Collection method: clinical testing. Allele origin: germline.
Comment: Not observed at significant frequency in large population cohorts (gnomAD); In silico analysis supports that this missense variant does not alter protein structure/function; Has not been previously published as pathogenic or benign to our knowledge